The following is an entry in ClinVar:

NM_139057.4(ADAMTS17):c.3281A>G (p.Asn1094Ser)

Gene: ADAMTS17 (ADAM metallopeptidase with thrombospondin type 1 motif 17; minus strand). Cytogenetic location: 15q26.3.
Variant type: single nucleotide variant.
Coding change: c.3281A>G on transcript NM_139057.4 (MANE Select); coding-DNA position 3281, A replaced by G.
Protein change: p.Asn1094Ser; replaces asparagine 1094 with serine.
Molecular consequence: missense variant.
Genome position (GRCh38, 1-based): chr15:99,974,409, T>C on the plus strand (A>G on the coding strand, the complement: ADAMTS17 is on the minus strand). VCF-style: chr15-99974409-T-C. GRCh37 (hg19) VCF-style: chr15-100514614-T-C.
Other names: short protein forms N1094S.
Identifiers: ClinVar variation 315248 (VCV000315248.21), dbSNP rs2573652, ClinGen allele CA7757398.
Genomic context (GRCh38, chr15:99,974,409, plus strand): 5'-TGGGTGGGTTTCAGACCTGAGTCTGAGCTTTGAGCGACCCTTGGGACTGCGTGTCACGAG[T>C]TCGGCGGTGGCTGGCGCATCTTGTTTGCATAGAAGTCCCTGCAGGTCTGGCAGCAGCGCT-3'
Protein context (NP_620688.2, residues 1084-1095): YANKMRQPPP[Asn1094Ser]S

ClinVar aggregate classification (germline): Benign. Review status: criteria provided, multiple submitters, no conflicts (2 of 4 stars). 9 submissions from 9 submitters: Benign (7). 2 of the submissions do not count toward it. Last evaluated 2026-02-04.

Conditions:
Weill-Marchesani 4 syndrome, recessive. Also called: Weill-Marchesani syndrome 4. Identifiers: Orphanet 363992, MedGen C2750787, MONDO:0013176, OMIM 613195.

Allele frequency attached by ClinVar (database versions not stated): gnomAD 0.70001 and 0.70543; ESP Exome Variant Server 0.71444; 1000 Genomes Project 0.67951; 1000 Genomes Project 30x 0.68770; TOPMed 0.69150.
gnomAD v4.1: 1,077,242 of 1,613,878 alleles (67%); highest among the groups gnomAD compares: African/African-American, 81%; 362,029 homozygotes.

Submissions (9):

Labcorp Genetics (formerly Invitae), Labcorp
Classification: Benign. Last evaluated: 2026-02-04. Review status: criteria provided, single submitter. Criteria: Invitae Variant Classification Sherloc (09022015). Collection method: clinical testing. Allele origin: germline.

Blueprint Genetics
Classification: Benign. Last evaluated: 2024-11-27. Review status: criteria provided, single submitter. Criteria: ACMG Guidelines, 2015. Collection method: clinical testing. Allele origin: germline.

Mayo Clinic Laboratories, Mayo Clinic
Classification: Benign. Last evaluated: 2022-04-26. Review status: criteria provided, single submitter. Criteria: ACMG Guidelines, 2015. Collection method: clinical testing. Allele origin: germline. Observed: 649 variant alleles.

Genome-Nilou Lab
Classification: Benign for Weill-Marchesani 4 syndrome, recessive. Last evaluated: 2021-07-14. Review status: criteria provided, single submitter. Criteria: ACMG Guidelines, 2015. Collection method: clinical testing. Allele origin: germline. Affected: no.

GeneDx
Classification: Benign. Last evaluated: 2018-09-04. Review status: criteria provided, single submitter. Criteria: GeneDx Variant Classification Process June 2021. Collection method: clinical testing. Allele origin: germline. Affected: yes.

Illumina Laboratory Services, Illumina
Classification: Benign for Weill-Marchesani 4 syndrome, recessive. Last evaluated: 2018-01-13. Review status: criteria provided, single submitter. Criteria: ICSL Variant Classification Criteria 13 December 2019. Collection method: clinical testing. Allele origin: germline.
Comment: This variant was observed in the ICSL laboratory as part of a predisposition screen in an ostensibly healthy population. It had not been previously curated by ICSL or reported in the Human Gene Mutation Database (HGMD: prior to June 1st, 2018), and was therefore a candidate for classification through an automated scoring system. Utilizing variant allele frequency, disease prevalence and penetrance estimates, and inheritance mode, an automated score was calculated to assess if this variant is too frequent to cause the disease. Based on the score and internal cut-off values, a variant classified as benign is not then subjected to further curation. The score for this variant resulted in a classification of benign for this disease.

Breakthrough Genomics
Classification: Benign. Review status: criteria provided, single submitter. Criteria: ACMG Guidelines, 2015. Collection method: not provided. Allele origin: germline. Inheritance: Autosomal recessive inheritance. Affected: yes.

Diagnostic Laboratory, Department of Genetics, University Medical Center Groningen
Classification: Benign for Weill-Marchesani 4 syndrome, recessive. Review status: no assertion criteria provided. Collection method: clinical testing. Allele origin: germline. Affected: yes. Study: VKGL Data-share Consensus. Not counted in ClinVar's aggregate classification.

Genome Diagnostics Laboratory, Amsterdam University Medical Center
Classification: Benign. Review status: no assertion criteria provided. Collection method: clinical testing. Allele origin: germline. Affected: yes. Study: VKGL Data-share Consensus. Not counted in ClinVar's aggregate classification.